The following is an entry in ClinVar:

NM_194248.3(OTOF):c.5610C>T (p.Thr1870=)

Gene: OTOF (otoferlin; minus strand). Cytogenetic location: 2p23.3.
Variant type: single nucleotide variant.
Coding change: c.5610C>T on transcript NM_194248.3 (MANE Select); coding-DNA position 5610, C replaced by T.
Protein change: p.Thr1870=; no amino-acid change (threonine 1870 retained).
Molecular consequence: synonymous variant.
Genome position (GRCh38, 1-based): chr2:26,460,954, G>A on the plus strand (C>T on the coding strand, the complement: OTOF is on the minus strand). VCF-style: chr2-26460954-G-A. GRCh37 (hg19) VCF-style: chr2-26683822-G-A.
Other names: c.5610C>T, p.Thr1870= (NM_001287489.2); c.3309C>T, p.Thr1103= (NM_004802.4, NM_194323.3); c.3540C>T, p.Thr1180= (NM_194322.3).
Identifiers: ClinVar variation 48265 (VCV000048265.21), dbSNP rs141119917, ClinGen allele CA142940.

ClinVar aggregate classification (germline): Likely benign. Review status: criteria provided, multiple submitters, no conflicts (2 of 4 stars). 5 submissions from 5 submitters: Likely benign (4). 1 of the submissions does not count toward it. Last evaluated 2026-01-09.

Conditions:
OTOF-related disorder. Also called: OTOF-related condition.

Allele frequency attached by ClinVar (database versions not stated): gnomAD 0.00005 and 0.00006; ESP Exome Variant Server 0.00008; ExAC 0.00010; 1000 Genomes Project 30x 0.00016; TOPMed 0.00007; 1000 Genomes Project 0.00020.
gnomAD v4.1: 113 of 1,614,018 alleles (0.007%); highest among the groups gnomAD compares: Admixed American, 0.017%; no homozygotes.

Submissions (5):

Labcorp Genetics (formerly Invitae), Labcorp
Classification: Likely benign. Last evaluated: 2026-01-09. Review status: criteria provided, single submitter. Criteria: Invitae Variant Classification Sherloc (09022015). Collection method: clinical testing. Allele origin: germline.

ARUP Laboratories, Molecular Genetics and Genomics, ARUP Laboratories
Classification: Likely benign. Last evaluated: 2019-02-20. Review status: criteria provided, single submitter. Criteria: ARUP Molecular Germline Variant Investigation Process. Collection method: clinical testing. Allele origin: germline.

GeneDx
Classification: Likely benign. Last evaluated: 2018-09-09. Review status: criteria provided, single submitter. Criteria: GeneDx Variant Classification Process June 2021. Collection method: clinical testing. Allele origin: germline. Affected: yes.

Laboratory for Molecular Medicine, Mass General Brigham Personalized Medicine
Classification: Likely benign. Last evaluated: 2012-03-26. Review status: criteria provided, single submitter. Criteria: LMM Criteria. Collection method: clinical testing. Allele origin: germline. Observed: 1 variant allele.
Comment: Thr1870Thr in exon 44 of OTOF: This variant is not expected to have clinical sig nificance because it does not alter an amino acid residue, is not located within the splice consensus sequence, has been identified in 0.014% (1/7020) of Europe an American chromosomes in a broad population by the NHLBI Exome sequencing proj ect (dbSNP rs141119917).

PreventionGenetics, part of Exact Sciences
Classification: Likely benign for OTOF-related condition. Last evaluated: 2019-03-13. Review status: no assertion criteria provided. Collection method: clinical testing. Allele origin: germline. Not counted in ClinVar's aggregate classification.
Comment: This variant is classified as likely benign based on ACMG/AMP sequence variant interpretation guidelines (Richards et al. 2015 PMID: 25741868, with internal and published modifications).